The following is an entry in ClinVar:

NC_000006.11:g.(?_42931601)_(42937735_?)del

Genes: PEX6 (peroxisomal biogenesis factor 6; minus strand), GNMT (glycine N-methyltransferase; plus strand). Cytogenetic location: 6p21.1.
Variant type: Deletion.
Identifiers: ClinVar variation 1067454 (VCV001067454.8).

ClinVar aggregate classification (germline): Likely pathogenic (1 of 4 stars; one submission).

Conditions:
Peroxisome biogenesis disorder. Identifiers: Orphanet 79189, MedGen C1832200, MONDO:0019234. Disease mechanism: loss of function.

Submission:

Labcorp Genetics (formerly Invitae), Labcorp
Classification: Likely pathogenic for Peroxisome biogenesis disorder. Last evaluated: 2021-08-04. Review status: criteria provided, single submitter. Criteria: Invitae Variant Classification Sherloc (09022015). Collection method: clinical testing. Allele origin: germline.
Comment: This variant is a gross deletion of the genomic region encompassing exon(s) 4-17 of the PEX6 gene. The 5' boundary is likely confined to intron 3. The 3' end of this event is unknown as it extends through the termination codon beyond the assayed region for this gene and may encompass additional genes. While this deletion is not anticipated to lead to nonsense mediated decay, it is expected to alter mRNA translation or result in a truncated protein product. This variant has not been reported in the literature in individuals affected with PEX6-related conditions. This variant disrupts the p.Ala912 amino acid residue in PEX6. Other variant(s) that disrupt this residue have been determined to be pathogenic (PMID: 26669662, 27779215). This suggests that this residue is clinically significant, and that variants that disrupt this residue are likely to be disease-causing. In summary, the currently available evidence indicates that the variant is pathogenic, but additional data are needed to prove that conclusively. Therefore, this variant has been classified as Likely Pathogenic.

Literature cited by the submitters: PubMed 26669662; PubMed 27779215.